The following is an entry in ClinVar:

ClinVar aggregate classification (germline): Pathogenic. Review status: criteria provided, multiple submitters, no conflicts (2 of 4 stars). 2 submissions from 2 submitters: Pathogenic (2). Last evaluated 2024-07-05.

Conditions:
Congenital microvillous atrophy (DIAR2). Also called: CONGENITAL FAMILIAL PROTRACTED DIARRHEA WITH ENTEROCYTE BRUSH-BORDER ABNORMALITIES; DAVIDSON DISEASE; Diarrhea 2 with microvillus atrophy, with or without cholestasis; MICROVILLUS ATROPHY, CONGENITAL; Microvillus inclusion disease. Identifiers: Orphanet 2290, MedGen C0341306, MONDO:0009635, OMIM 251850.

gnomAD v4.1: 1 of 1,614,180 alleles (0.000062%); highest among the groups gnomAD compares: Non-Finnish European, 0.000085%; no homozygotes.

Submissions (2):

Aleixo Muise Laboratory, Hospital For Sick Children
Classification: Pathogenic for Congenital microvillous atrophy. Last evaluated: 2024-07-05. Review status: criteria provided, single submitter. Criteria: ACMG Guidelines, 2015. Collection method: research. Allele origin: inherited. Affected: yes. Observed: 1 variant allele.
Comment: PVS1;PM2;PM3;PM5;PP3;PP4

Labcorp Genetics (formerly Invitae), Labcorp
Classification: Pathogenic. Last evaluated: 2022-04-12. Review status: criteria provided, single submitter. Criteria: Invitae Variant Classification Sherloc (09022015). Collection method: clinical testing. Allele origin: germline.
Comment: This sequence change creates a premature translational stop signal (p.Gln1390*) in the MYO5B gene. It is expected to result in an absent or disrupted protein product. Loss-of-function variants in MYO5B are known to be pathogenic (PMID: 18724368, 20186687). This variant is not present in population databases (gnomAD no frequency). This premature translational stop signal has been observed in individual(s) with clinical features of MYO5B-related conditions (PMID: 29266534). For these reasons, this variant has been classified as Pathogenic.

Literature cited by the submitters: PubMed 18724368 (cited by Labcorp Genetics (formerly Invitae), Labcorp); PubMed 20186687 (cited by Labcorp Genetics (formerly Invitae), Labcorp); PubMed 29266534 (cited by Labcorp Genetics (formerly Invitae), Labcorp).

NM_001080467.3(MYO5B):c.4168C>T (p.Gln1390Ter)

Gene: MYO5B (myosin VB; minus strand). Cytogenetic location: 18q21.1.
Variant type: single nucleotide variant.
Coding change: c.4168C>T on transcript NM_001080467.3 (MANE Select); coding-DNA position 4168, C replaced by T.
Protein change: p.Gln1390Ter; replaces glutamine 1390 with a stop codon.
Molecular consequence: nonsense.
Genome position (GRCh38, 1-based): chr18:49,853,502, G>A on the plus strand (C>T on the coding strand, the complement: MYO5B is on the minus strand). VCF-style: chr18-49853502-G-A. GRCh37 (hg19) VCF-style: chr18-47379872-G-A.
Other names: short protein forms Q1390*.
Identifiers: ClinVar variation 2152298 (VCV002152298.5), dbSNP rs2024226065, ClinGen allele CA402426625.
Genomic context (GRCh38, chr18:49,853,502, plus strand): 5'-TACCCACCAGATTCTCGTTGGTCAGCCGGGATATTTCCTGCTGAACGCCGAATTCCACCT[G>A]GGCCTCTGGGGAGAGCAGTAGCGTCTGGCAGAAGGTCTGCTGCTGTTTGTCCATCTCCTC-3'